The following is an entry in ClinVar:

NC_012920.1(MT-ND1):m.4238T>C

Gene: MT-ND1 (mitochondrially encoded NADH dehydrogenase 1; plus strand).
Variant type: single nucleotide variant.
Genome position: chrM-4238-T-C.
Identifiers: ClinVar variation 692441 (VCV000692441.2), dbSNP rs1603219369, ClinGen allele CA414774490.

ClinVar aggregate classification (germline): Uncertain significance. Review status: criteria provided, multiple submitters, no conflicts (2 of 4 stars). 2 submissions from 2 submitters: Uncertain significance (2). Last evaluated 2019-10-17.

Conditions:
Leigh syndrome (NULS). Also called: Leigh's necrotizing encephalopathy; Leigh's disease; Leigh Syndrome (mtDNA deletion); Leigh Disease; Subacute necrotizing encephalopathy; Necrotizing encephalopathy infantile subacute of Leigh. Identifiers: Orphanet 506, MedGen C2931891, MONDO:0009723, OMIM 256000.

Submissions (2):

Wong Mito Lab, Molecular and Human Genetics, Baylor College of Medicine
Classification: Uncertain significance for Leigh syndrome. Last evaluated: 2019-10-17. Review status: criteria provided, single submitter. Criteria: Modified ACMG Guidelines (Unpublished). Collection method: clinical testing. Allele origin: germline.
Comment: The NC_012920.1:m.4238T>C (YP_003024026.1:p.Ile311Thr) variant in MTND1 gene is interpretated to be a Uncertain Significance variant based on the modified ACMG guidelines (unpublished). This variant meets the following evidence codes: PP4, PP6, BP4

Breakthrough Genomics
Classification: Uncertain significance. Review status: criteria provided, single submitter. Criteria: ACMG Guidelines, 2015. Collection method: not provided. Allele origin: germline. Inheritance: Unknown mechanism. Affected: yes.